The following is an entry in ClinVar:

NM_013352.4(DSE):c.364G>A (p.Ala122Thr)

Gene: DSE (dermatan sulfate epimerase; plus strand). Cytogenetic location: 6q22.1.
Variant type: single nucleotide variant.
Coding change: c.364G>A on transcript NM_013352.4 (MANE Select); coding-DNA position 364, G replaced by A.
Protein change: p.Ala122Thr; replaces alanine 122 with threonine.
Molecular consequence: missense variant. On other transcripts: 5 prime UTR variant (4), non-coding transcript variant (1).
Genome position (GRCh38, 1-based): chr6:116,399,614, G>A. VCF-style: chr6-116399614-G-A. GRCh37 (hg19) VCF-style: chr6-116720777-G-A.
Other names: c.364G>A, p.Ala122Thr (NM_001080976.3, NM_001322937.2, NM_001322938.2 and 3 more transcripts); c.421G>A, p.Ala141Thr (NM_001322939.2); c.-194G>A (NM_001322940.2, NM_001322941.2); c.-537G>A (NM_001374520.1); c.-224G>A (NM_001374521.1); short protein forms A122T, A141T.
Identifiers: ClinVar variation 1030282 (VCV001030282.8), dbSNP rs1781474657, ClinGen allele CA365534803.

ClinVar aggregate classification (germline): Uncertain significance. Review status: criteria provided, multiple submitters, no conflicts (2 of 4 stars). 2 submissions from 2 submitters: Uncertain significance (2). Last evaluated 2021-07-17.

Conditions:
Ehlers-Danlos syndrome, musculocontractural type 2 (EDSMC2). Identifiers: Orphanet 2953, MedGen C3809845, MONDO:0014236, OMIM 615539.

Allele frequency attached by ClinVar (database versions not stated): gnomAD exomes below 0.00001.
gnomAD v4.1: 2 of 1,614,220 alleles (0.00012%); highest among the groups gnomAD compares: Non-Finnish European, 0.00017%; no homozygotes.

Submissions (2):

Labcorp Genetics (formerly Invitae), Labcorp
Classification: Uncertain significance for Ehlers-Danlos syndrome, musculocontractural type 2. Last evaluated: 2021-07-17. Review status: criteria provided, single submitter. Criteria: Invitae Variant Classification Sherloc (09022015). Collection method: clinical testing. Allele origin: germline.
Comment: This sequence change replaces alanine with threonine at codon 122 of the DSE protein (p.Ala122Thr). The alanine residue is highly conserved and there is a small physicochemical difference between alanine and threonine. This variant is not present in population databases (ExAC no frequency). This variant has not been reported in the literature in individuals affected with DSE-related conditions. ClinVar contains an entry for this variant (Variation ID: 1030282). Algorithms developed to predict the effect of missense changes on protein structure and function are either unavailable or do not agree on the potential impact of this missense change (SIFT: "Not Available"; PolyPhen-2: "Probably Damaging"; Align-GVGD: "Not Available"). In summary, the available evidence is currently insufficient to determine the role of this variant in disease. Therefore, it has been classified as a Variant of Uncertain Significance.

Baylor Genetics
Classification: Uncertain significance for Ehlers-Danlos syndrome, musculocontractural type 2. Last evaluated: 2020-03-04. Review status: criteria provided, single submitter. Criteria: ACMG Guidelines, 2015. Collection method: clinical testing. Allele origin: unknown. Affected: yes.
Comment: This variant was determined to be of uncertain significance according to ACMG Guidelines, 2015 [PMID:25741868].